The following is an entry in ClinVar:

ClinVar aggregate classification (germline): Likely pathogenic (1 of 4 stars; one submission).

Conditions:
Short stature. Identifiers: MedGen C0349588, HP:0004322.

gnomAD v4.1: 2 of 1,613,238 alleles (0.00012%); highest among the groups gnomAD compares: Non-Finnish European, 0.000085%; no homozygotes.

Submission:

Institute of Human Genetics, University of Leipzig Medical Center
Classification: Likely pathogenic for Short stature. Last evaluated: 2021-11-12. Review status: criteria provided, single submitter. Criteria: ACMG Guidelines, 2015. Collection method: clinical testing. Allele origin: unknown. Affected: yes.
Comment: _x000D_ Criteria applied: PM5_STR, PM1_SUP, PM2_SUP

NM_000142.5(FGFR3):c.1618A>C (p.Asn540His)

Gene: FGFR3 (fibroblast growth factor receptor 3; plus strand). Cytogenetic location: 4p16.3.
Variant type: single nucleotide variant.
Coding change: c.1618A>C on transcript NM_000142.5 (MANE Select); coding-DNA position 1618, A replaced by C.
Protein change: p.Asn540His; replaces asparagine 540 with histidine.
Molecular consequence: missense variant. On other transcripts: non-coding transcript variant (1).
Genome position (GRCh38, 1-based): chr4:1,805,642, A>C. VCF-style: chr4-1805642-A-C. GRCh37 (hg19) VCF-style: chr4-1807369-A-C.
Other names: c.1624A>C, p.Asn542His (NM_001163213.2); c.1621A>C, p.Asn541His (NM_001354809.2, NM_001354810.2); c.1282A>C, p.Asn428His (NM_022965.4); short protein forms N428H, N540H, N541H, N542H.
Identifiers: ClinVar variation 1325830 (VCV001325830.1), dbSNP rs1057519049, ClinGen allele CA355981579.